The following is an entry in ClinVar:

NM_001161352.2(KCNMA1):c.1218A>G (p.Gly406=)

Gene: KCNMA1 (potassium calcium-activated channel subfamily M alpha 1; minus strand). Cytogenetic location: 10q22.3.
Variant type: single nucleotide variant.
Coding change: c.1218A>G on transcript NM_001161352.2 (MANE Select); coding-DNA position 1218, A replaced by G.
Protein change: p.Gly406=; no amino-acid change (glycine 406 retained).
Molecular consequence: synonymous variant.
Genome position (GRCh38, 1-based): chr10:77,108,486, T>C on the plus strand (A>G on the coding strand, the complement: KCNMA1 is on the minus strand). VCF-style: chr10-77108486-T-C. GRCh37 (hg19) VCF-style: chr10-78868244-T-C.
Other names: c.1218A>G, p.Gly406= (NM_001014797.3, NM_001161353.2, NM_001271519.2 and 7 more transcripts); c.1056A>G, p.Gly352= (NM_001271518.2); c.678A>G, p.Gly226= (NM_001322838.2).
Identifiers: ClinVar variation 502293 (VCV000502293.16), dbSNP rs755284666, ClinGen allele CA5568519.

ClinVar aggregate classification (germline): Conflicting classifications of pathogenicity. Review status: criteria provided, conflicting classifications (1 of 4 stars). 3 submissions from 3 submitters: Uncertain significance (2); Likely benign (1). Last evaluated 2025-12-13.

Conditions:
Generalized epilepsy-paroxysmal dyskinesia syndrome (PNKD3). Also called: Paroxysmal nonkinesigenic dyskinesia, 3, with or without generalized epilepsy; Generalized epilepsy and paroxysmal dyskinesia. Identifiers: Orphanet 79137, MedGen C5574945, MONDO:0012276, OMIM 609446.

Allele frequency attached by ClinVar (database versions not stated): gnomAD 0.00006 and 0.00005; gnomAD exomes 0.00001 and 0.00002; ExAC 0.00001; TOPMed 0.00007.
gnomAD v4.1: 23 of 1,613,136 alleles (0.0014%); highest among the groups gnomAD compares: African/African-American, 0.008%; no homozygotes.

Submissions (3):

Labcorp Genetics (formerly Invitae), Labcorp
Classification: Likely benign for Generalized epilepsy-paroxysmal dyskinesia syndrome. Last evaluated: 2025-12-13. Review status: criteria provided, single submitter. Criteria: Invitae Variant Classification Sherloc (09022015). Collection method: clinical testing. Allele origin: germline.

GeneDx
Classification: Uncertain significance. Last evaluated: 2024-03-19. Review status: criteria provided, single submitter. Criteria: GeneDx Variant Classification Process June 2021. Collection method: clinical testing. Allele origin: germline.
Comment: Has not been previously published as pathogenic or benign to our knowledge; In silico analysis is inconclusive as to whether the variant alters gene splicing. In the absence of RNA/functional studies, the actual effect of this sequence change is unknown.

Eurofins Ntd Llc (ga)
Classification: Uncertain significance. Last evaluated: 2017-05-26. Review status: criteria provided, single submitter. Criteria: EGL Classification Definitions 2015. Collection method: clinical testing. Allele origin: germline. Observed: 1 variant allele, 1 heterozygote.